The following is an entry in ClinVar:

NM_000098.3(CPT2):c.1297_1309dup (p.Thr437delinsLysValTer)

Gene: CPT2 (carnitine palmitoyltransferase 2; plus strand). Cytogenetic location: 1p32.3.
Variant type: Duplication.
Coding change: c.1297_1309dup on transcript NM_000098.3 (MANE Select); coding-DNA positions 1297 to 1309, 13 bases duplicated (AAGTTTGATGCCA).
Protein change: p.Thr437delinsLysValTer.
Molecular consequence: nonsense.
Genome position (GRCh38, 1-based): chr1:53,210,971-53,210,983, AAGTTTGATGCCA duplicated; duplicating any 13 consecutive bases within chr1:53,210,970-53,210,983 gives the same sequence; the c. name uses the placement nearest the transcript's 3' end. VCF-style (leftmost placement, unchanged base first): chr1-53210969-A-AAAAGTTTGATGCC. GRCh37 (hg19) VCF-style: chr1-53676641-A-AAAAGTTTGATGCC.
Other names: c.1297_1309dup, p.Thr437delinsLysValTer (NM_001330589.2).
Identifiers: ClinVar variation 4817414 (VCV004817414.1).

ClinVar aggregate classification (germline): Likely pathogenic (1 of 4 stars; one submission).

Conditions:
Carnitine palmitoyltransferase II deficiency. Also called: Carnitine Palmitoyltransferase 2 Deficiency. Identifiers: Orphanet 157, MedGen C0342790, MONDO:0015515.

Submission:

Natera, Inc.
Classification: Likely pathogenic for Carnitine palmitoyltransferase II deficiency. Last evaluated: 2026-01-06. Review status: criteria provided, single submitter. Criteria: Natera Variant Classification Schema (03/2026). Collection method: clinical testing. Allele origin: germline.
Comment: The c.1297_1309dup variant in CPT2 is a frameshift variant predicted to shift the reading frame beginning at codon 437 and leads to a stop codon 3 codons downstream. This variant is expected to result in nonsense mediated decay, truncation, or a dysfunctional protein product. This variant is rare in the general population with a frequency below the threshold expected for the associated phenotype(s). Given the available evidence, this variant is classified as Likely Pathogenic.